The following is an entry in ClinVar:

NM_000079.4(CHRNA1):c.276T>C (p.Tyr92=)

Gene: CHRNA1 (cholinergic receptor nicotinic alpha 1 subunit; minus strand). Cytogenetic location: 2q31.1.
Variant type: single nucleotide variant.
Coding change: c.276T>C on transcript NM_000079.4 (MANE Select); coding-DNA position 276, T replaced by C.
Protein change: p.Tyr92=; no amino-acid change (tyrosine 92 retained).
Molecular consequence: synonymous variant.
Genome position (GRCh38, 1-based): chr2:174,757,634, A>G on the plus strand (T>C on the coding strand, the complement: CHRNA1 is on the minus strand). VCF-style: chr2-174757634-A-G. GRCh37 (hg19) VCF-style: chr2-175622362-A-G.
Other names: c.351T>C, p.Tyr117= (NM_001039523.3).
Identifiers: ClinVar variation 4085110 (VCV004085110.8).

ClinVar aggregate classification (germline): Likely benign (1 of 4 stars; one submission).

gnomAD v4.1: 1 of 1,614,206 alleles (0.000062%); highest among the groups gnomAD compares: Non-Finnish European, 0.000085%; no homozygotes.

Submission:

CeGaT Center for Human Genetics Tuebingen
Classification: Likely benign. Last evaluated: 2025-07-01. Review status: criteria provided, single submitter. Criteria: CeGaT Center For Human Genetics Tuebingen Variant Classification Criteria Version 2. Collection method: clinical testing. Allele origin: germline. Affected: yes. Observed: 1 variant allele.
Comment: CHRNA1: BP4, BP7